The following is an entry in ClinVar:

ClinVar aggregate classification (germline): Uncertain significance (1 of 4 stars; one submission).

Conditions:
Fanconi anemia (FA). Also called: Fanconi's anemia. Identifiers: Orphanet 84, MedGen C0015625, MeSH D005199, MONDO:0019391.

Allele frequency attached by ClinVar (database versions not stated): gnomAD exomes below 0.00001.
gnomAD v4.1: 2 of 1,522,288 alleles (0.00013%); highest among the groups gnomAD compares: Admixed American, 0.0017%; no homozygotes.

Submission:

Labcorp Genetics (formerly Invitae), Labcorp
Classification: Uncertain significance for Fanconi anemia. Last evaluated: 2023-08-02. Review status: criteria provided, single submitter. Criteria: Invitae Variant Classification Sherloc (09022015). Collection method: clinical testing. Allele origin: germline.
Comment: In summary, the available evidence is currently insufficient to determine the role of this variant in disease. Therefore, it has been classified as a Variant of Uncertain Significance. Variants that disrupt the consensus splice site are a relatively common cause of aberrant splicing (PMID: 17576681, 9536098). Algorithms developed to predict the effect of sequence changes on RNA splicing suggest that this variant is not likely to affect RNA splicing. ClinVar contains an entry for this variant (Variation ID: 2165687). This variant has not been reported in the literature in individuals affected with FANCM-related conditions. This variant is present in population databases (no rsID available, gnomAD 0.003%). This sequence change falls in intron 14 of the FANCM gene. It does not directly change the encoded amino acid sequence of the FANCM protein. It affects a nucleotide within the consensus splice site.

Literature cited by the submitters: PubMed 17576681; PubMed 9536098.

NM_020937.4(FANCM):c.4222+4A>C

Gene: FANCM (FA complementation group M; plus strand). Cytogenetic location: 14q21.2.
Variant type: single nucleotide variant.
Coding change: c.4222+4A>C on transcript NM_020937.4 (MANE Select); 4 bases into the intron after coding-DNA position 4222, A replaced by C.
Molecular consequence: intron variant.
Genome position (GRCh38, 1-based): chr14:45,176,980, A>C. VCF-style: chr14-45176980-A-C. GRCh37 (hg19) VCF-style: chr14-45646183-A-C.
Other names: c.4144+4A>C (NM_001308133.2).
Identifiers: ClinVar variation 2165687 (VCV002165687.4), dbSNP rs1397109524, ClinGen allele CA614273490.